The following is an entry in ClinVar:

NM_005618.4(DLL1):c.55-100C>G

Gene: DLL1 (delta like canonical Notch ligand 1; minus strand). Cytogenetic location: 6q27.
Variant type: single nucleotide variant.
Coding change: c.55-100C>G on transcript NM_005618.4 (MANE Select); 100 bases into the intron before coding-DNA position 55, C replaced by G.
Molecular consequence: intron variant.
Genome position (GRCh38, 1-based): chr6:170,289,908, G>C on the plus strand (C>G on the coding strand, the complement: DLL1 is on the minus strand). VCF-style: chr6-170289908-G-C. GRCh37 (hg19) VCF-style: chr6-170598996-G-C.
Identifiers: ClinVar variation 4853953 (VCV004853953.1).

ClinVar aggregate classification (germline): Uncertain significance (1 of 4 stars; one submission).

Conditions:
Neurodevelopmental disorder with nonspecific brain abnormalities and with or without seizures. Identifiers: MedGen C5231470, MONDO:0032877, OMIM 618709.

Submission:

3billion
Classification: Uncertain significance for Neurodevelopmental disorder with nonspecific brain abnormalities and with or without seizures. Last evaluated: 2025-10-31. Review status: criteria provided, single submitter. Criteria: ACMG Guidelines, 2015. Collection method: clinical testing. Allele origin: germline. Affected: yes.
Comment: The variant is not observed in the gnomAD v4.1.0 dataset. Predicted Consequence/Location: Intron variant In silico tools predict the variant to alter splicing and produce an abnormal transcript [SpliceAI: 0.30 (>=0.2, moderate evidence for spliceogenicity)]. Therefore, this variant is classified as VUS according to the recommendation of ACMG/AMP guideline.